The following is an entry in ClinVar:

ClinVar aggregate classification (germline): Uncertain significance (1 of 4 stars; one submission).

gnomAD v4.1: 1 of 1,612,842 alleles (0.000062%); highest among the groups gnomAD compares: Non-Finnish European, 0.000085%; no homozygotes.

Submission:

GeneDx
Classification: Uncertain significance. Last evaluated: 2026-02-27. Review status: criteria provided, single submitter. Criteria: GeneDx Variant Classification Process June 2021. Collection method: clinical testing. Allele origin: germline.
Comment: Not observed at significant frequency in large population cohorts (gnomAD); In silico analysis suggests that this missense variant does not alter protein structure/function; Has not been previously published as pathogenic or benign to our knowledge

NM_033056.4(PCDH15):c.5438C>T (p.Pro1813Leu)

Gene: PCDH15 (protocadherin related 15; minus strand). Cytogenetic location: 10q21.1.
Variant type: single nucleotide variant.
Coding change: c.5438C>T on transcript NM_033056.4 (MANE Plus Clinical); coding-DNA position 5438, C replaced by T.
Protein change: p.Pro1813Leu; replaces proline 1813 with leucine.
Molecular consequence: missense variant. On other transcripts: intron variant (8).
Genome position (GRCh38, 1-based): chr10:53,822,288, G>A on the plus strand (C>T on the coding strand, the complement: PCDH15 is on the minus strand). VCF-style: chr10-53822288-G-A. GRCh37 (hg19) VCF-style: chr10-55582048-G-A.
Other names: c.5459C>T, p.Pro1820Leu (NM_001142763.2); c.5444C>T, p.Pro1815Leu (NM_001142764.2); c.5231C>T, p.Pro1744Leu (NM_001142765.2); c.5429C>T, p.Pro1810Leu (NM_001142766.2); c.5318C>T, p.Pro1773Leu (NM_001142767.2); c.5378C>T, p.Pro1793Leu (NM_001142768.2); c.5369C>T, p.Pro1790Leu (NM_001142773.2); c.5372C>T, p.Pro1791Leu (NM_001354404.2); and 7 more; short protein forms P1790L, P1813L, P1773L, P1793L, P1810L, P1791L, P1815L, P1744L.
Identifiers: ClinVar variation 5009961 (VCV005009961.1).